The following is an entry in ClinVar:

NM_015459.5(ATL3):c.1424G>A (p.Cys475Tyr)

Genes: ATL3 (atlastin GTPase 3; minus strand), LNCROPM (lncRNA regulator of PLAAT3 mediated phospholipid metabolism; plus strand). Cytogenetic location: 11q13.1.
Variant type: single nucleotide variant.
Coding change: c.1424G>A on transcript NM_015459.5 (MANE Select); coding-DNA position 1424, G replaced by A.
Protein change: p.Cys475Tyr; replaces cysteine 475 with tyrosine.
Molecular consequence: missense variant.
Genome position (GRCh38, 1-based): chr11:63,631,155, C>T on the plus strand (G>A on the coding strand, the complement: ATL3 is on the minus strand). VCF-style: chr11-63631155-C-T. GRCh37 (hg19) VCF-style: chr11-63398627-C-T.
Other names: c.1370G>A, p.Cys457Tyr (NM_001290048.2); short protein forms C475Y, C457Y.
Identifiers: ClinVar variation 3709001 (VCV003709001.2).

ClinVar aggregate classification (germline): Uncertain significance (1 of 4 stars; one submission).

Conditions:
Neuropathy, hereditary sensory, type 1F. Also called: HSN IF; Hereditary sensory neuropathy type IF. Identifiers: Orphanet 36386, MedGen C3810194, MONDO:0014286, OMIM 615632.

gnomAD v4.1: 5 of 1,614,050 alleles (0.00031%); highest among the groups gnomAD compares: African/African-American, 0.0013%; no homozygotes.

Submission:

Labcorp Genetics (formerly Invitae), Labcorp
Classification: Uncertain significance for Neuropathy, hereditary sensory, type 1F. Last evaluated: 2024-12-02. Review status: criteria provided, single submitter. Criteria: Invitae Variant Classification Sherloc (09022015). Collection method: clinical testing. Allele origin: germline.
Comment: This sequence change replaces cysteine, which is neutral and slightly polar, with tyrosine, which is neutral and polar, at codon 475 of the ATL3 protein (p.Cys475Tyr). This variant is present in population databases (no rsID available, gnomAD 0.0009%). This variant has not been reported in the literature in individuals affected with ATL3-related conditions. Invitae Evidence Modeling of protein sequence and biophysical properties (such as structural, functional, and spatial information, amino acid conservation, physicochemical variation, residue mobility, and thermodynamic stability) indicates that this missense variant is not expected to disrupt ATL3 protein function with a negative predictive value of 80%. In summary, the available evidence is currently insufficient to determine the role of this variant in disease. Therefore, it has been classified as a Variant of Uncertain Significance.